The following is an entry in ClinVar:

NM_001377.3(DYNC2H1):c.3096+304A>G

Gene: DYNC2H1 (dynein cytoplasmic 2 heavy chain 1; plus strand). Cytogenetic location: 11q22.3.
Variant type: single nucleotide variant.
Coding change: c.3096+304A>G on transcript NM_001377.3 (MANE Select); 304 bases into the intron after coding-DNA position 3096, A replaced by G.
Molecular consequence: intron variant.
Genome position (GRCh38, 1-based): chr11:103,152,589, A>G. VCF-style: chr11-103152589-A-G. GRCh37 (hg19) VCF-style: chr11-103023318-A-G.
Other names: c.3096+304A>G (NM_001080463.2).
Identifiers: ClinVar variation 672812 (VCV000672812.1), dbSNP rs147474477, ClinGen allele CA227417261.

ClinVar aggregate classification (germline): Likely benign (1 of 4 stars; one submission).

Allele frequency attached by ClinVar (database versions not stated): 1000 Genomes Project 0.00399; 1000 Genomes Project 30x 0.00406; TOPMed 0.00809; gnomAD 0.00868 and 0.00893.
gnomAD v4.1: 1,313 of 152,170 alleles (0.86%); highest among the groups gnomAD compares: Non-Finnish European, 1.5%; 11 homozygotes.

Submission:

GeneDx
Classification: Likely benign. Last evaluated: 2018-06-14. Review status: criteria provided, single submitter. Criteria: GeneDx Variant Classification (06012015). Collection method: clinical testing. Allele origin: germline. Affected: yes.
Comment: This variant is considered likely benign or benign based on one or more of the following criteria: it is a conservative change, it occurs at a poorly conserved position in the protein, it is predicted to be benign by multiple in silico algorithms, and/or has population frequency not consistent with disease.